The following is an entry in ClinVar:

NM_007373.4(SHOC2):c.307A>G (p.Met103Val)

Gene: SHOC2 (SHOC2 leucine rich repeat scaffold protein; plus strand). Cytogenetic location: 10q25.2.
Variant type: single nucleotide variant.
Coding change: c.307A>G on transcript NM_007373.4 (MANE Select); coding-DNA position 307, A replaced by G.
Protein change: p.Met103Val; replaces methionine 103 with valine.
Molecular consequence: missense variant.
Genome position (GRCh38, 1-based): chr10:110,964,665, A>G. VCF-style: chr10-110964665-A-G. GRCh37 (hg19) VCF-style: chr10-112724423-A-G.
Other names: c.307A>G, p.Met103Val (NM_001269039.3, NM_001324336.2, NM_001324337.2); short protein forms M103V.
Identifiers: ClinVar variation 981609 (VCV000981609.2), dbSNP rs756298796, ClinGen allele CA5689574.
Genomic context (GRCh38, chr10:110,964,665, plus strand): 5'-AAAAAATCCAGCAATGCAGAGGTGATTAAAGAGCTCAACAAATGCCGGGAAGAGAATTCA[A>G]TGCGTTTGGACTTATCCAAGAGATCTATACACATATTGCCATCATCAATCAAAGAGTTGA-3'
Protein context (NP_031399.2, residues 93-113): ELNKCREENS[Met103Val]RLDLSKRSIH

ClinVar aggregate classification (germline): Uncertain significance. Review status: criteria provided, single submitter (1 of 4 stars). 2 submissions from 2 submitters: Uncertain significance (1). 1 of the submissions does not count toward it. Last evaluated 2021-02-08.

Conditions:
Noonan syndrome (NS). Also called: Noonan's syndrome. Identifiers: Orphanet 648, MedGen C0028326, MeSH D009634, MONDO:0018997. Disease mechanism: gain of function.

Allele frequency attached by ClinVar (database versions not stated): gnomAD exomes below 0.00001; ExAC 0.00001; gnomAD 0.00001.

Submissions (2):

Women's Health and Genetics/Laboratory Corporation of America, LabCorp
Classification: Uncertain significance. Last evaluated: 2021-02-08. Review status: criteria provided, single submitter. Criteria: LabCorp Variant Classification Summary - May 2015. Collection method: clinical testing. Allele origin: germline.
Comment: Variant summary: SHOC2 c.307A>G (p.Met103Val) results in a conservative amino acid change located in the Leucine-rich repeat domain superfamily (IPR032675) of the encoded protein sequence. Four of five in-silico tools predict a benign effect of the variant on protein function. The variant allele was found at a frequency of 4e-06 in 251010 control chromosomes (gnomAD). The available data on variant occurrences in the general population are insufficient to allow any conclusion about variant significance. To our knowledge, no occurrence of c.307A>G in individuals affected with Noonan Syndrome With Loose Anagen Hair and no experimental evidence demonstrating its impact on protein function have been reported. A ClinVar submitter cites the variant as uncertain significance. Based on the evidence outlined above, the variant was classified as uncertain significance.

Service de Génétique Moléculaire, Hôpital Robert Debré
Classification: Uncertain significance for Noonan syndrome. Review status: no assertion criteria provided. Collection method: clinical testing. Allele origin: maternal. Affected: yes. Not counted in ClinVar's aggregate classification.